The following is an entry in ClinVar:

NM_032119.4(ADGRV1):c.9447+68A>T

Gene: ADGRV1 (adhesion G protein-coupled receptor V1; plus strand). Cytogenetic location: 5q14.3.
Variant type: single nucleotide variant.
Coding change: c.9447+68A>T on transcript NM_032119.4 (MANE Select); 68 bases into the intron after coding-DNA position 9447, A replaced by T.
Molecular consequence: intron variant.
Genome position (GRCh38, 1-based): chr5:90,716,797, A>T. VCF-style: chr5-90716797-A-T. GRCh37 (hg19) VCF-style: chr5-90012614-A-T.
Identifiers: ClinVar variation 674380 (VCV000674380.1), dbSNP rs10067181, ClinGen allele CA12170735.

ClinVar aggregate classification (germline): Benign (1 of 4 stars; one submission).

Allele frequency attached by ClinVar (database versions not stated): gnomAD 0.59670 and 0.60502; TOPMed 0.60914; gnomAD exomes 0.64832; 1000 Genomes Project 30x 0.65272; 1000 Genomes Project 0.66414.
gnomAD v4.1: 804,802 of 1,250,868 alleles (64%); highest among the groups gnomAD compares: East Asian, 81%; 260,063 homozygotes.

Submission:

GeneDx
Classification: Benign. Last evaluated: 2018-06-14. Review status: criteria provided, single submitter. Criteria: GeneDx Variant Classification (06012015). Collection method: clinical testing. Allele origin: germline. Affected: yes.
Comment: This variant is considered likely benign or benign based on one or more of the following criteria: it is a conservative change, it occurs at a poorly conserved position in the protein, it is predicted to be benign by multiple in silico algorithms, and/or has population frequency not consistent with disease.